The following is an entry in ClinVar:

ClinVar aggregate classification (germline): Benign/Likely benign. Review status: criteria provided, multiple submitters, no conflicts (2 of 4 stars). 11 submissions from 11 submitters: Benign (6); Likely benign (5). Last evaluated 2026-09-01.

Conditions:
Microcephaly 2, primary, autosomal recessive, with or without cortical malformations. Also called: MICROCEPHALY 2, PRIMARY, AUTOSOMAL RECESSIVE, WITH CORTICAL MALFORMATIONS; WDR62 Primary Microcephaly. Identifiers: Orphanet 2512, MedGen C1858535, MONDO:0011435, OMIM 604317.

Allele frequency attached by ClinVar (database versions not stated): gnomAD 0.00409 and 0.00416; 1000 Genomes Project 0.00140; 1000 Genomes Project 30x 0.00141; TOPMed 0.00466; ExAC 0.00386; gnomAD exomes 0.00401; ESP Exome Variant Server 0.00484.
gnomAD v4.1: 9,042 of 1,610,452 alleles (0.56%); highest among the groups gnomAD compares: Non-Finnish European, 0.7%; 26 homozygotes.

Submissions (11):

CeGaT Center for Human Genetics Tuebingen
Classification: Likely benign. Last evaluated: 2026-09-01. Review status: criteria provided, single submitter. Criteria: CeGaT Center For Human Genetics Tuebingen Variant Classification Criteria Version 2. Collection method: clinical testing. Allele origin: germline. Affected: yes. Observed: 28 variant alleles.
Comment: WDR62: BP4, BS2

Labcorp Genetics (formerly Invitae), Labcorp
Classification: Benign. Last evaluated: 2026-01-05. Review status: criteria provided, single submitter. Criteria: Invitae Variant Classification Sherloc (09022015). Collection method: clinical testing. Allele origin: germline.

Mayo Clinic Laboratories, Mayo Clinic
Classification: Benign. Last evaluated: 2024-09-24. Review status: criteria provided, single submitter. Criteria: ACMG Guidelines, 2015. Collection method: clinical testing. Allele origin: germline. Observed: 5 variant alleles.
Comment: BS1, BS2, BP4

Genome-Nilou Lab
Classification: Benign for Microcephaly 2, primary, autosomal recessive, with or without cortical malformations. Last evaluated: 2021-12-05. Review status: criteria provided, single submitter. Criteria: ACMG Guidelines, 2015. Collection method: clinical testing. Allele origin: germline. Affected: no.

GeneDx
Classification: Benign. Last evaluated: 2019-05-24. Review status: criteria provided, single submitter. Criteria: GeneDx Variant Classification Process June 2021. Collection method: clinical testing. Allele origin: germline. Affected: yes.

Athena Diagnostics
Classification: Benign. Last evaluated: 2018-02-22. Review status: criteria provided, single submitter. Criteria: Athena Diagnostics Criteria. Collection method: clinical testing. Allele origin: germline.

Illumina Laboratory Services, Illumina
Classification: Likely benign for Microcephaly 2, primary, autosomal recessive, with or without cortical malformations. Last evaluated: 2018-01-13. Review status: criteria provided, single submitter. Criteria: ICSL Variant Classification Criteria 13 December 2019. Collection method: clinical testing. Allele origin: germline.
Comment: This variant was observed in the ICSL laboratory as part of a predisposition screen in an ostensibly healthy population. It had not been previously curated by ICSL or reported in the Human Gene Mutation Database (HGMD: prior to June 1st, 2018), and was therefore a candidate for classification through an automated scoring system. Utilizing variant allele frequency, disease prevalence and penetrance estimates, and inheritance mode, an automated score was calculated to assess if this variant is too frequent to cause the disease. Based on the score and internal cut-off values, a variant classified as likely benign is not then subjected to further curation. The score for this variant resulted in a classification of likely benign for this disease.

Center for Pediatric Genomic Medicine, Children's Mercy Hospital and Clinics
Classification: Likely benign. Last evaluated: 2016-09-29. Review status: criteria provided, single submitter. Criteria: ACMG Guidelines, 2015. Collection method: clinical testing. Allele origin: germline.
ClinVar note: Converted during submission from Likely Benign to Likely benign.

Genetic Services Laboratory, University of Chicago
Classification: Likely benign. Last evaluated: 2015-04-30. Review status: criteria provided, single submitter. Criteria: ACMG Guidelines, 2015. Collection method: clinical testing. Allele origin: germline.

Eurofins Ntd Llc (ga)
Classification: Benign. Last evaluated: 2014-07-18. Review status: criteria provided, single submitter. Criteria: EGL Classification Definitions 2015. Collection method: clinical testing. Allele origin: germline. Observed: 2 variant alleles, 2 heterozygotes.

Breakthrough Genomics
Classification: Likely benign. Review status: criteria provided, single submitter. Criteria: ACMG Guidelines, 2015. Collection method: not provided. Allele origin: germline. Inheritance: Autosomal recessive inheritance. Affected: yes.

NM_001083961.2(WDR62):c.3946C>G (p.Gln1316Glu)

Gene: WDR62 (WD repeat domain 62; plus strand). Cytogenetic location: 19q13.12.
Variant type: single nucleotide variant.
Coding change: c.3946C>G on transcript NM_001083961.2 (MANE Select); coding-DNA position 3946, C replaced by G.
Protein change: p.Gln1316Glu; replaces glutamine 1316 with glutamic acid.
Molecular consequence: missense variant.
Genome position (GRCh38, 1-based): chr19:36,103,774, C>G. VCF-style: chr19-36103774-C-G. GRCh37 (hg19) VCF-style: chr19-36594676-C-G.
Other names: c.3931C>G, p.Gln1311Glu (NM_173636.5); short protein forms Q1316E, Q1311E.
Identifiers: ClinVar variation 93539 (VCV000093539.62), dbSNP rs35811023, ClinGen allele CA147043.